The following is an entry in ClinVar:

ClinVar aggregate classification (germline): Conflicting classifications of pathogenicity. Review status: criteria provided, conflicting classifications (1 of 4 stars). 5 submissions from 5 submitters: Uncertain significance (2); Likely benign (3). Last evaluated 2025-06-12.

Conditions:
NPHP1-related disorder. Also called: NPHP1-related condition; NPHP1-related disorders.
Joubert syndrome with renal defect. Also called: JOUBERT SYNDROME 4. Identifiers: Orphanet 220497, MedGen C1846790, MONDO:0012308, OMIM 609583.
Senior-Loken syndrome 1 (SLSN1). Also called: JUVENILE NEPHRONOPHTHISIS WITH LEBER AMAUROSIS. Identifiers: Orphanet 3156, MedGen C4551559, MONDO:0009962, OMIM 266900.
Nephronophthisis 1 (NPHP1). Also called: Nephronophthisis familial juvenile. Identifiers: Orphanet 655, Orphanet 93592, MedGen C1855681, MONDO:0009728, OMIM 256100.
Nephronophthisis. Also called: Juvenile Nephronophthisis. Identifiers: Orphanet 655, MedGen C0687120, MONDO:0019005, HP:0000090.

Allele frequency attached by ClinVar (database versions not stated): gnomAD exomes below 0.00001 and 0.00001; gnomAD 0.00003 and 0.00004; TOPMed 0.00003.
gnomAD v4.1: 10 of 1,613,250 alleles (0.00062%); highest among the groups gnomAD compares: African/African-American, 0.011%; no homozygotes.

Submissions (5):

Labcorp Genetics (formerly Invitae), Labcorp
Classification: Likely benign for Nephronophthisis. Last evaluated: 2025-06-12. Review status: criteria provided, single submitter. Criteria: Invitae Variant Classification Sherloc (09022015). Collection method: clinical testing. Allele origin: germline.

PreventionGenetics, part of Exact Sciences
Classification: Likely benign for NPHP1-related condition. Last evaluated: 2024-12-10. Review status: criteria provided, single submitter. Criteria: ACMG Guidelines, 2015. Collection method: clinical testing. Allele origin: germline.
Comment: This variant is classified as likely benign based on ACMG/AMP sequence variant interpretation guidelines (Richards et al. 2015 PMID: 25741868, with internal and published modifications).

Blueprint Genetics
Classification: Likely benign. Last evaluated: 2023-07-10. Review status: criteria provided, single submitter. Criteria: ACMG Guidelines, 2015. Collection method: clinical testing. Allele origin: germline.

Fulgent Genetics
Classification: Uncertain significance for Nephronophthisis 1; Senior-Loken syndrome 1; Joubert syndrome with renal defect. Last evaluated: 2022-05-24. Review status: criteria provided, single submitter. Criteria: ACMG Guidelines, 2015. Collection method: clinical testing. Allele origin: unknown.

Eurofins Ntd Llc (ga)
Classification: Uncertain significance. Last evaluated: 2018-08-24. Review status: criteria provided, single submitter. Criteria: EGL ClinVar v180209 classification definitions. Collection method: clinical testing. Allele origin: germline. Observed: 2 variant alleles, 2 heterozygotes.

NM_001128178.3(NPHP1):c.912A>G (p.Gln304=)

Gene: NPHP1 (nephrocystin 1; minus strand). Cytogenetic location: 2q13.
Variant type: single nucleotide variant.
Coding change: c.912A>G on transcript NM_001128178.3 (MANE Select); coding-DNA position 912, A replaced by G.
Protein change: p.Gln304=; no amino-acid change (glutamine 304 retained).
Molecular consequence: synonymous variant.
Genome position (GRCh38, 1-based): chr2:110,161,645, T>C on the plus strand (A>G on the coding strand, the complement: NPHP1 is on the minus strand). VCF-style: chr2-110161645-T-C. GRCh37 (hg19) VCF-style: chr2-110919222-T-C.
Other names: c.1080A>G, p.Gln360= (NM_000272.5); c.723A>G, p.Gln241= (NM_001128179.3); c.909A>G, p.Gln303= (NM_001374256.1); c.912A>G, p.Gln304= (NM_001374257.1); c.1077A>G, p.Gln359= (NM_207181.4); c.1080A>G (NM_000272.3).
Identifiers: ClinVar variation 193570 (VCV000193570.15), dbSNP rs794726975, ClinGen allele CA239100.